The following is an entry in ClinVar:

NM_000275.3(OCA2):c.1430T>C (p.Ile477Thr)

Gene: OCA2 (OCA2 melanosomal transmembrane protein; minus strand). Cytogenetic location: 15q13.1.
Variant type: single nucleotide variant.
Coding change: c.1430T>C on transcript NM_000275.3 (MANE Select); coding-DNA position 1430, T replaced by C.
Protein change: p.Ile477Thr; replaces isoleucine 477 with threonine.
Molecular consequence: missense variant.
Genome position (GRCh38, 1-based): chr15:27,983,418, A>G on the plus strand (T>C on the coding strand, the complement: OCA2 is on the minus strand). VCF-style: chr15-27983418-A-G. GRCh37 (hg19) VCF-style: chr15-28228564-A-G.
Other names: c.1358T>C, p.Ile453Thr (NM_001300984.2); short protein forms I453T, I477T.
Identifiers: ClinVar variation 1311264 (VCV001311264.10), dbSNP rs148413474, ClinGen allele CA7439039.

ClinVar aggregate classification (germline): Uncertain significance. Review status: criteria provided, multiple submitters, no conflicts (2 of 4 stars). 4 submissions from 4 submitters: Uncertain significance (4). Last evaluated 2026-01-19.

Allele frequency attached by ClinVar (database versions not stated): gnomAD exomes below 0.00001 and 0.00001; ExAC 0.00002; TOPMed 0.00002; gnomAD 0.00005 and 0.00006; ESP Exome Variant Server 0.00015.
gnomAD v4.1: 12 of 1,614,084 alleles (0.00074%); highest among the groups gnomAD compares: African/African-American, 0.012%; no homozygotes.

Submissions (4):

Labcorp Genetics (formerly Invitae), Labcorp
Classification: Uncertain significance. Last evaluated: 2026-01-19. Review status: criteria provided, single submitter. Criteria: Invitae Variant Classification Sherloc (09022015). Collection method: clinical testing. Allele origin: germline.
Comment: This sequence change replaces isoleucine, which is neutral and non-polar, with threonine, which is neutral and polar, at codon 477 of the OCA2 protein (p.Ile477Thr). This variant is present in population databases (rs148413474, gnomAD 0.02%). This missense change has been observed in individual(s) with albinism (PMID: 34838614). ClinVar contains an entry for this variant (Variation ID: 1311264). Invitae Evidence Modeling of protein sequence and biophysical properties (such as structural, functional, and spatial information, amino acid conservation, physicochemical variation, residue mobility, and thermodynamic stability) indicates that this missense variant is expected to disrupt OCA2 protein function with a positive predictive value of 80%. In summary, the available evidence is currently insufficient to determine the role of this variant in disease. Therefore, it has been classified as a Variant of Uncertain Significance.

Women's Health and Genetics/Laboratory Corporation of America, LabCorp
Classification: Uncertain significance. Last evaluated: 2024-09-18. Review status: criteria provided, single submitter. Criteria: LabCorp Variant Classification Summary - May 2015. Collection method: clinical testing. Allele origin: germline.
Comment: Variant summary: OCA2 c.1430T>C (p.Ile477Thr) results in a non-conservative amino acid change located in the Citrate transporter-like domain (IPR004680) of the encoded protein sequence. Five of five in-silico tools predict a damaging effect of the variant on protein function. The variant allele was found at a frequency of 1.2e-05 in 251488 control chromosomes (gnomAD). The available data on variant occurrences in the general population are insufficient to allow any conclusion about variant significance. c.1430T>C has been reported in the literature in at least one compound heterozygous individual affected with Oculocutaneous Albinism (Wei_2021). These data do not allow any conclusion about variant significance. To our knowledge, no experimental evidence demonstrating an impact on protein function has been reported. The following publication have been ascertained in the context of this evaluation (PMID: 34838614). ClinVar contains an entry for this variant (Variation ID: 1311264). Based on the evidence outlined above, the variant was classified as uncertain significance.

Revvity Omics, Revvity
Classification: Uncertain significance. Last evaluated: 2024-09-13. Review status: criteria provided, single submitter. Criteria: ACMG Guidelines, 2015. Collection method: clinical testing. Allele origin: germline.

GeneDx
Classification: Uncertain significance. Last evaluated: 2019-09-06. Review status: criteria provided, single submitter. Criteria: GeneDx Variant Classification Process June 2021. Collection method: clinical testing. Allele origin: germline. Affected: yes.
Comment: In silico analysis, which includes protein predictors and evolutionary conservation, supports a deleterious effect; Has not been previously published in association with human disease, as pathogenic or benign to our knowledge; This variant is associated with the following publications: (PMID: 23824587)

Literature cited by the submitters: PubMed 34838614 (cited by Labcorp Genetics (formerly Invitae), Labcorp and Women's Health and Genetics/Laboratory Corporation of America, LabCorp).